The following is an entry in ClinVar:

NM_003900.5(SQSTM1):c.936_937delinsAG (p.Lys313Glu)

Gene: SQSTM1 (sequestosome 1; plus strand). Cytogenetic location: 5q35.3.
Variant type: Indel.
Coding change: c.936_937delinsAG on transcript NM_003900.5 (MANE Select); coding-DNA positions 936 to 937, GA replaced by AG.
Protein change: p.Lys313Glu; replaces lysine 313 with glutamic acid.
Molecular consequence: missense variant.
Genome position (GRCh38, 1-based): chr5:179,833,213-179,833,214, GA replaced by AG. VCF-style: chr5-179833213-GA-AG. GRCh37 (hg19) VCF-style: chr5-179260213-GA-AG.
Other names: c.684_685delinsAG, p.Lys229Glu (NM_001142298.2, NM_001142299.2); short protein forms K229E, K313E.
Identifiers: ClinVar variation 1939638 (VCV001939638.5), dbSNP rs2480244888, ClinGen allele CA2580074141.

ClinVar aggregate classification (germline): Uncertain significance (1 of 4 stars; one submission).

Conditions:
Paget disease of bone 2, early-onset (PDB2). Also called: Paget disease of bone 2. Identifiers: MedGen C4085251, MONDO:0011183, OMIM 602080.
Frontotemporal dementia and/or amyotrophic lateral sclerosis 1 (FTDALS1). Also called: Frontotemporal dementia with motor neuron disease 1; C9orf72 Frontotemporal Dementia and/or Amyotrophic Lateral Sclerosis. Identifiers: Orphanet 275872, MedGen C5779877, MONDO:0007105, OMIM 105550.

Submission:

Labcorp Genetics (formerly Invitae), Labcorp
Classification: Uncertain significance for Paget disease of bone 2, early-onset; Frontotemporal dementia and/or amyotrophic lateral sclerosis 1. Last evaluated: 2022-06-27. Review status: criteria provided, single submitter. Criteria: Invitae Variant Classification Sherloc (09022015). Collection method: clinical testing. Allele origin: germline.
Comment: In summary, the available evidence is currently insufficient to determine the role of this variant in disease. Therefore, it has been classified as a Variant of Uncertain Significance. Experimental studies and prediction algorithms are not available or were not evaluated, and the functional significance of this variant is currently unknown. This variant has not been reported in the literature in individuals affected with SQSTM1-related conditions. Information on the frequency of this variant in the gnomAD database is not available, as this variant may be reported differently in the database. This sequence change replaces lysine, which is basic and polar, with glutamic acid, which is acidic and polar, at codon 313 of the SQSTM1 protein (p.Lys313Glu).